The following is an entry in ClinVar:

NM_012418.4(FSCN2):c.911C>T (p.Thr304Ile)

Gene: FSCN2 (fascin actin-bundling protein 2, retinal; plus strand). Cytogenetic location: 17q25.3.
Variant type: single nucleotide variant.
Coding change: c.911C>T on transcript NM_012418.4 (MANE Select); coding-DNA position 911, C replaced by T.
Protein change: p.Thr304Ile; replaces threonine 304 with isoleucine.
Molecular consequence: missense variant.
Genome position (GRCh38, 1-based): chr17:81,535,136, C>T. VCF-style: chr17-81535136-C-T. GRCh37 (hg19) VCF-style: chr17-79502162-C-T.
Other names: c.911C>T, p.Thr304Ile (NM_001077182.3); short protein forms T304I.
Identifiers: ClinVar variation 1938211 (VCV001938211.5), dbSNP rs1489064377, ClinGen allele CA401475791.

ClinVar aggregate classification (germline): Uncertain significance (1 of 4 stars; one submission).

Allele frequency attached by ClinVar (database versions not stated): TOPMed below 0.00001; gnomAD 0.00001.
gnomAD v4.1: 17 of 1,533,636 alleles (0.0011%); highest among the groups gnomAD compares: Non-Finnish European, 0.0013%; no homozygotes.

Submission:

Labcorp Genetics (formerly Invitae), Labcorp
Classification: Uncertain significance. Last evaluated: 2025-01-06. Review status: criteria provided, single submitter. Criteria: Invitae Variant Classification Sherloc (09022015). Collection method: clinical testing. Allele origin: germline.
Comment: This sequence change replaces threonine, which is neutral and polar, with isoleucine, which is neutral and non-polar, at codon 304 of the FSCN2 protein (p.Thr304Ile). This variant is present in population databases (no rsID available, gnomAD 0.004%). This variant has not been reported in the literature in individuals affected with FSCN2-related conditions. ClinVar contains an entry for this variant (Variation ID: 1938211). An algorithm developed to predict the effect of missense changes on protein structure and function outputs the following: PolyPhen-2: "Benign". The isoleucine amino acid residue is found in multiple mammalian species, which suggests that this missense change does not adversely affect protein function. In summary, the available evidence is currently insufficient to determine the role of this variant in disease. Therefore, it has been classified as a Variant of Uncertain Significance.